The following is an entry in ClinVar:

NM_022436.3(ABCG5):c.1433C>A (p.Ala478Asp)

Genes: ABCG5 (ATP binding cassette subfamily G member 5; minus strand), DYNC2LI1 (dynein cytoplasmic 2 light intermediate chain 1; plus strand). Cytogenetic location: 2p21.
Variant type: single nucleotide variant.
Coding change: c.1433C>A on transcript NM_022436.3 (MANE Select); coding-DNA position 1433, C replaced by A.
Protein change: p.Ala478Asp; replaces alanine 478 with aspartic acid.
Molecular consequence: missense variant. On other transcripts: intron variant (2).
Genome position (GRCh38, 1-based): chr2:43,822,827, G>T on the plus strand (C>A on the coding strand, the complement: ABCG5 is on the minus strand). VCF-style: chr2-43822827-G-T. GRCh37 (hg19) VCF-style: chr2-44049966-G-T.
Other names: c.*16-4559G>T (NM_001348913.2, NM_001348912.2); short protein forms A478D.
Identifiers: ClinVar variation 1772548 (VCV001772548.2), dbSNP rs2465984821, ClinGen allele CA346663799.
Genomic context (GRCh38, chr2:43,822,827, plus strand): 5'-CGGCCCTGGGTGAACTGAACAACCCCTCACCAGTAGCACACACTGCTGAAAATCATGGTG[G>T]CAACAACGCTGAAGGGGAGGACGTGCAGTGCATAGGCCAGCATCATCTGCCACTTCTGGT-3'
Protein context (NP_071881.1, residues 468-488): ALHVLPFSVV[Ala478Asp]TMIFSSVCYW

ClinVar aggregate classification (germline): Uncertain significance (1 of 4 stars; one submission).

Conditions:
Cardiovascular phenotype. Identifiers: MedGen CN230736.

Submission:

Ambry Genetics
Classification: Uncertain significance for Cardiovascular phenotype. Last evaluated: 2021-07-08. Review status: criteria provided, single submitter. Criteria: Ambry Variant Classification Scheme 2023. Collection method: clinical testing. Allele origin: germline.
Comment: The p.A478D variant (also known as c.1433C>A), located in coding exon 10 of the ABCG5 gene, results from a C to A substitution at nucleotide position 1433. The alanine at codon 478 is replaced by aspartic acid, an amino acid with dissimilar properties. This amino acid position is conserved. In addition, the in silico prediction for this alteration is inconclusive. Since supporting evidence is limited at this time, the clinical significance of this alteration remains unclear.